The following is an entry in ClinVar:

NM_021911.3(GABRB2):c.-137C>T

Gene: GABRB2 (gamma-aminobutyric acid type A receptor subunit beta2; minus strand). Cytogenetic location: 5q34.
Variant type: single nucleotide variant.
Coding change: c.-137C>T on transcript NM_021911.3; 137 bases upstream of the start codon, C replaced by T.
Molecular consequence: 5 prime UTR variant.
Genome position (GRCh38, 1-based): chr5:161,546,780, G>A on the plus strand (C>T on the coding strand, the complement: GABRB2 is on the minus strand). VCF-style: chr5-161546780-G-A. GRCh37 (hg19) VCF-style: chr5-160973786-G-A.
Other names: c.-137C>T (NM_000813.3).
Identifiers: ClinVar variation 509010 (VCV000509010.3), dbSNP rs1193679437, ClinGen allele CA658796675.

ClinVar aggregate classification (germline): Likely benign (1 of 4 stars; one submission).

Allele frequency attached by ClinVar (database versions not stated): gnomAD 0.00001; gnomAD exomes below 0.00001; TOPMed 0.00001.
gnomAD v4.1: 6 of 1,469,280 alleles (0.00041%); highest among the groups gnomAD compares: African/African-American, 0.0058%; no homozygotes.

Submission:

GeneDx
Classification: Likely benign. Last evaluated: 2017-04-14. Review status: criteria provided, single submitter. Criteria: GeneDx Variant Classification (06012015). Collection method: clinical testing. Allele origin: germline. Affected: yes.
Comment: This variant is considered likely benign or benign based on one or more of the following criteria: it is a conservative change, it occurs at a poorly conserved position in the protein, it is predicted to be benign by multiple in silico algorithms, and/or has population frequency not consistent with disease.